The following is an entry in ClinVar:

ClinVar aggregate classification (germline): Uncertain significance (1 of 4 stars; one submission).

Conditions:
Hereditary cancer-predisposing syndrome. Also called: Neoplastic Syndromes, Hereditary; Tumor predisposition; Hereditary Cancer Syndrome; Hereditary neoplastic syndrome. Identifiers: Orphanet 140162, MedGen C0027672, MeSH D009386, MONDO:0015356.

Allele frequency attached by ClinVar (database versions not stated): gnomAD exomes below 0.00001.
gnomAD v4.1: 1 of 1,613,902 alleles (0.000062%); highest among the groups gnomAD compares: Non-Finnish European, 0.000085%; no homozygotes.

Submission:

Ambry Genetics
Classification: Uncertain significance for Hereditary cancer-predisposing syndrome. Last evaluated: 2022-05-20. Review status: criteria provided, single submitter. Criteria: Ambry Variant Classification Scheme 2023. Collection method: clinical testing. Allele origin: germline.
Comment: The p.L233P variant (also known as c.698T>C), located in coding exon 7 of the EPCAM gene, results from a T to C substitution at nucleotide position 698. The leucine at codon 233 is replaced by proline, an amino acid with similar properties. This amino acid position is conserved. In addition, this alteration is predicted to be tolerated by in silico analysis. Since supporting evidence is limited at this time, the clinical significance of this alteration remains unclear.

NM_002354.3(EPCAM):c.698T>C (p.Leu233Pro)

Gene: EPCAM (epithelial cell adhesion molecule; plus strand). Cytogenetic location: 2p21.
Variant type: single nucleotide variant.
Coding change: c.698T>C on transcript NM_002354.3 (MANE Select); coding-DNA position 698, T replaced by C.
Protein change: p.Leu233Pro; replaces leucine 233 with proline.
Molecular consequence: missense variant.
Genome position (GRCh38, 1-based): chr2:47,379,809, T>C. VCF-style: chr2-47379809-T-C. GRCh37 (hg19) VCF-style: chr2-47606948-T-C.
Other names: short protein forms L233P.
Identifiers: ClinVar variation 1756472 (VCV001756472.2), dbSNP rs202126213, ClinGen allele CA46644573.